The following is an entry in ClinVar:

NM_004655.4(AXIN2):c.1164C>A (p.Arg388=)

Gene: AXIN2 (axin 2; minus strand). Cytogenetic location: 17q24.1.
Variant type: single nucleotide variant.
Coding change: c.1164C>A on transcript NM_004655.4 (MANE Select); coding-DNA position 1164, C replaced by A.
Protein change: p.Arg388=; no amino-acid change (arginine 388 retained).
Molecular consequence: synonymous variant.
Genome position (GRCh38, 1-based): chr17:65,538,239, G>T on the plus strand (C>A on the coding strand, the complement: AXIN2 is on the minus strand). VCF-style: chr17-65538239-G-T. GRCh37 (hg19) VCF-style: chr17-63534357-G-T.
Other names: c.1164C>A, p.Arg388= (NM_001363813.1).
Identifiers: ClinVar variation 1673691 (VCV001673691.11), dbSNP rs781122679, ClinGen allele CA501476287.

ClinVar aggregate classification (germline): Benign/Likely benign. Review status: criteria provided, multiple submitters, no conflicts (2 of 4 stars). 3 submissions from 3 submitters: Benign (1); Likely benign (2). Last evaluated 2024-07-01.

Conditions:
Hereditary cancer-predisposing syndrome. Also called: Tumor predisposition; Hereditary neoplastic syndrome; Hereditary Cancer Syndrome; Neoplastic Syndromes, Hereditary. Identifiers: Orphanet 140162, MedGen C0027672, MeSH D009386, MONDO:0015356.
Oligodontia-cancer predisposition syndrome. Also called: TOOTH AGENESIS-COLORECTAL CANCER SYNDROME. Identifiers: Orphanet 300576, MedGen C1837750, MONDO:0012075, OMIM 608615. Disease mechanism: loss of function.

Submissions (3):

Myriad Genetics, Inc.
Classification: Benign for Oligodontia-cancer predisposition syndrome. Last evaluated: 2024-07-01. Review status: criteria provided, single submitter. Criteria: Myriad Autosomal Dominant, Autosomal Recessive and X-Linked Classification Criteria (2023). Collection method: clinical testing. Allele origin: unknown.
Comment: This variant is considered benign. This variant is a silent/synonymous amino acid change and it is not expected to impact splicing.

Labcorp Genetics (formerly Invitae), Labcorp
Classification: Likely benign for Oligodontia-cancer predisposition syndrome. Last evaluated: 2023-10-27. Review status: criteria provided, single submitter. Criteria: Invitae Variant Classification Sherloc (09022015). Collection method: clinical testing. Allele origin: germline.

Ambry Genetics
Classification: Likely benign for Hereditary cancer-predisposing syndrome. Last evaluated: 2021-12-09. Review status: criteria provided, single submitter. Criteria: Ambry Variant Classification Scheme 2023. Collection method: clinical testing. Allele origin: germline.